The following is an entry in ClinVar:

ClinVar aggregate classification (germline): Uncertain significance. Review status: criteria provided, multiple submitters, no conflicts (2 of 4 stars). 2 submissions from 2 submitters: Uncertain significance (2). Last evaluated 2025-01-13.

Conditions:
Marfan syndrome (MFS). Also called: MARFAN SYNDROME, TYPE I; Marfan syndrome type 1; Marfan's syndrome; Marfan syndrome, classic; FBN1-Related Marfan Syndrome. Identifiers: Orphanet 284963, Orphanet 558, MedGen C0024796, MONDO:0007947, OMIM 154700.
Familial thoracic aortic aneurysm and aortic dissection (TAAD). Also called: Thoracic aortic aneurysms and dissections. Identifiers: Orphanet 91387, MedGen C4707243, MONDO:0019625.

Allele frequency attached by ClinVar (database versions not stated): gnomAD exomes below 0.00001.
gnomAD v4.1: 3 of 1,613,678 alleles (0.00019%); highest among the groups gnomAD compares: South Asian, 0.0022%; no homozygotes.

Submissions (2):

Labcorp Genetics (formerly Invitae), Labcorp
Classification: Uncertain significance for Marfan syndrome; Familial thoracic aortic aneurysm and aortic dissection. Last evaluated: 2025-01-13. Review status: criteria provided, single submitter. Criteria: Invitae Variant Classification Sherloc (09022015). Collection method: clinical testing. Allele origin: germline.
Comment: This sequence change replaces lysine, which is basic and polar, with arginine, which is basic and polar, at codon 612 of the FBN1 protein (p.Lys612Arg). This variant is present in population databases (no rsID available, gnomAD no frequency). This variant has not been reported in the literature in individuals affected with FBN1-related conditions. ClinVar contains an entry for this variant (Variation ID: 2149966). An algorithm developed to predict the effect of missense changes on protein structure and function (PolyPhen-2) suggests that this variant¬¨‚Ä†is likely to be tolerated. In summary, the available evidence is currently insufficient to determine the role of this variant in disease. Therefore, it has been classified as a Variant of Uncertain Significance.

All of Us Research Program, National Institutes of Health
Classification: Uncertain significance for Marfan syndrome. Last evaluated: 2024-05-14. Review status: criteria provided, single submitter. Criteria: ACMG Guidelines, 2015. Collection method: clinical testing. Allele origin: germline. Inheritance: Autosomal dominant inheritance. Observed: 1 variant allele, 1 heterozygote.
Comment: This missense variant replaces lysine with arginine at codon 612 of the FBN1 protein. Computational prediction suggests that this variant may not impact protein structure and function (internally defined REVEL score threshold <= 0.5, PMID: 27666373). To our knowledge, functional studies have not been reported for this variant. This variant has not been reported in individuals affected with FBN1-related disorders in the literature. This variant has not been identified in the general population by the Genome Aggregation Database (gnomAD). The available evidence is insufficient to determine the role of this variant in disease conclusively. Therefore, this variant is classified as a Variant of Uncertain Significance.

This study involves interpretation of variants in research participants for the purpose of population health screening. Participant phenotype was not available at the time of variant classification. Additional details can be found in publication PMID: 35346344, PMCID: PMC8962531

NM_000138.5(FBN1):c.1835A>G (p.Lys612Arg)

Gene: FBN1 (fibrillin 1; minus strand). Cytogenetic location: 15q21.1.
Variant type: single nucleotide variant.
Coding change: c.1835A>G on transcript NM_000138.5 (MANE Select); coding-DNA position 1835, A replaced by G.
Protein change: p.Lys612Arg; replaces lysine 612 with arginine.
Molecular consequence: missense variant.
Genome position (GRCh38, 1-based): chr15:48,508,584, T>C on the plus strand (A>G on the coding strand, the complement: FBN1 is on the minus strand). VCF-style: chr15-48508584-T-C. GRCh37 (hg19) VCF-style: chr15-48800781-T-C.
Other names: c.1835A>G, p.Lys612Arg (NM_001406716.1); short protein forms K612R.
Identifiers: ClinVar variation 2149966 (VCV002149966.4), dbSNP rs1374717312, ClinGen allele CA392340150.